The following is an entry in ClinVar:

NM_001853.4(COL9A3):c.626A>G (p.Glu209Gly)

Gene: COL9A3 (collagen type IX alpha 3 chain; plus strand). Cytogenetic location: 20q13.33.
Variant type: single nucleotide variant.
Coding change: c.626A>G on transcript NM_001853.4 (MANE Select); coding-DNA position 626, A replaced by G.
Protein change: p.Glu209Gly; replaces glutamic acid 209 with glycine.
Molecular consequence: missense variant.
Genome position (GRCh38, 1-based): chr20:62,825,017, A>G. VCF-style: chr20-62825017-A-G. GRCh37 (hg19) VCF-style: chr20-61456369-A-G.
Other names: short protein forms E209G.
Identifiers: ClinVar variation 1307538 (VCV001307538.6), dbSNP rs1056439745, ClinGen allele CA317327749.
Genomic context (GRCh38, chr20:62,825,017, plus strand): 5'-TTTGCTTGCAGGGACCCACTGGCTACAAAGGCGAGCAGGGGGAAGTCGGCAAGGACGGCG[A>G]GAAGGTGAAGCTGCCGCACAGCAGCTGGGGAGGAGCTGGGGACTGGAGGCTGGGCTCCGG-3'
Protein context (NP_001844.3, residues 199-219): GEQGEVGKDG[Glu209Gly]KGDPGPPGPA

ClinVar aggregate classification (germline): Uncertain significance. Review status: criteria provided, multiple submitters, no conflicts (2 of 4 stars). 2 submissions from 2 submitters: Uncertain significance (2). Last evaluated 2025-12-17.

Allele frequency attached by ClinVar (database versions not stated): gnomAD exomes below 0.00001.
gnomAD v4.1: 4 of 1,606,724 alleles (0.00025%); highest among the groups gnomAD compares: Non-Finnish European, 0.00017%; no homozygotes.

Submissions (2):

Labcorp Genetics (formerly Invitae), Labcorp
Classification: Uncertain significance. Last evaluated: 2025-12-17. Review status: criteria provided, single submitter. Criteria: Invitae Variant Classification Sherloc (09022015). Collection method: clinical testing. Allele origin: germline.
Comment: This sequence change replaces glutamic acid, which is acidic and polar, with glycine, which is neutral and non-polar, at codon 209 of the COL9A3 protein (p.Glu209Gly). This variant is present in population databases (no rsID available, gnomAD 0.0009%). This variant has not been reported in the literature in individuals affected with COL9A3-related conditions. ClinVar contains an entry for this variant (Variation ID: 1307538). Invitae Evidence Modeling of protein sequence and biophysical properties (such as structural, functional, and spatial information, amino acid conservation, physicochemical variation, residue mobility, and thermodynamic stability) indicates that this missense variant is not expected to disrupt COL9A3 protein function with a negative predictive value of 95%. Algorithms developed to predict the effect of sequence changes on RNA splicing suggest that this variant may disrupt the consensus splice site. In summary, the available evidence is currently insufficient to determine the role of this variant in disease. Therefore, it has been classified as a Variant of Uncertain Significance.

GeneDx
Classification: Uncertain significance. Last evaluated: 2019-08-02. Review status: criteria provided, single submitter. Criteria: GeneDx Variant Classification Process June 2021. Collection method: clinical testing. Allele origin: germline. Affected: yes.
Comment: Has not been previously published as pathogenic or benign to our knowledge; Not observed at a significant frequency in large population cohorts (Lek et al., 2016); In silico analysis, which includes protein predictors and evolutionary conservation, supports that this variant does not alter protein structure/function